The following is an entry in ClinVar:

NM_006757.4(TNNT3):c.168C>T (p.Phe56=)

Gene: TNNT3 (troponin T3, fast skeletal type; plus strand). Cytogenetic location: 11p15.5.
Variant type: single nucleotide variant.
Coding change: c.168C>T on transcript NM_006757.4 (MANE Select); coding-DNA position 168, C replaced by T.
Protein change: p.Phe56=; no amino-acid change (phenylalanine 56 retained).
Molecular consequence: synonymous variant. On other transcripts: 5 prime UTR variant (2).
Genome position (GRCh38, 1-based): chr11:1,932,511, C>T. VCF-style: chr11-1932511-C-T. GRCh37 (hg19) VCF-style: chr11-1953741-C-T.
Other names: c.144C>T, p.Phe48= (NM_001042780.3, NM_001042782.3, NM_001297646.2 and 2 more transcripts); c.162C>T, p.Phe54= (NM_001042781.3, NM_001367842.1, NM_001367843.1); c.177C>T, p.Phe59= (NM_001363561.2, NM_001367847.1); c.201C>T, p.Phe67= (NM_001367846.1); c.165C>T, p.Phe55= (NM_001367848.1); c.156C>T, p.Phe52= (NM_001367849.1); c.111C>T, p.Phe37= (NM_001367850.1); c.-37C>T (NM_001367851.1, NM_001367852.1).
Identifiers: ClinVar variation 4986669 (VCV004986669.1).

ClinVar aggregate classification (germline): Likely benign (1 of 4 stars; one submission).

Conditions:
TNNT3-related disorder. Also called: TNNT3-related condition.

Submission:

PreventionGenetics, part of Exact Sciences
Classification: Likely benign for TNNT3-related condition. Last evaluated: 2025-02-14. Review status: criteria provided, single submitter. Criteria: ACMG Guidelines, 2015. Collection method: clinical testing. Allele origin: germline.
Comment: This variant is classified as likely benign based on ACMG/AMP sequence variant interpretation guidelines (Richards et al. 2015 PMID: 25741868, with internal and published modifications).